The following is an entry in ClinVar:

NM_005732.4(RAD50):c.3772C>G (p.Gln1258Glu)

Genes: RAD50 (RAD50 double strand break repair protein; plus strand), TH2LCRR (T helper type 2 locus control region associated RNA; minus strand). Cytogenetic location: 5q31.1.
Variant type: single nucleotide variant.
Coding change: c.3772C>G on transcript NM_005732.4 (MANE Select); coding-DNA position 3772, C replaced by G.
Protein change: p.Gln1258Glu; replaces glutamine 1258 with glutamic acid.
Molecular consequence: missense variant.
Genome position (GRCh38, 1-based): chr5:132,642,197, C>G. VCF-style: chr5-132642197-C-G. GRCh37 (hg19) VCF-style: chr5-131977889-C-G.
Other names: short protein forms Q1258E.
Identifiers: ClinVar variation 216630 (VCV000216630.13), dbSNP rs863224741, ClinGen allele CA338879.

ClinVar aggregate classification (germline): Uncertain significance. Review status: criteria provided, multiple submitters, no conflicts (2 of 4 stars). 2 submissions from 2 submitters: Uncertain significance (2). Last evaluated 2023-09-17.

Conditions:
Hereditary cancer-predisposing syndrome. Also called: Hereditary Cancer Syndrome; Hereditary neoplastic syndrome; Neoplastic Syndromes, Hereditary; Tumor predisposition. Identifiers: Orphanet 140162, MedGen C0027672, MeSH D009386, MONDO:0015356.

Submissions (2):

Labcorp Genetics (formerly Invitae), Labcorp
Classification: Uncertain significance for Hereditary cancer-predisposing syndrome. Last evaluated: 2023-09-17. Review status: criteria provided, single submitter. Criteria: Invitae Variant Classification Sherloc (09022015). Collection method: clinical testing. Allele origin: germline.
Comment: This sequence change replaces glutamine, which is neutral and polar, with glutamic acid, which is acidic and polar, at codon 1258 of the RAD50 protein (p.Gln1258Glu). This variant is not present in population databases (gnomAD no frequency). This variant has not been reported in the literature in individuals affected with RAD50-related conditions. ClinVar contains an entry for this variant (Variation ID: 216630). Advanced modeling of protein sequence and biophysical properties (such as structural, functional, and spatial information, amino acid conservation, physicochemical variation, residue mobility, and thermodynamic stability) performed at Invitae indicates that this missense variant is not expected to disrupt RAD50 protein function. In summary, the available evidence is currently insufficient to determine the role of this variant in disease. Therefore, it has been classified as a Variant of Uncertain Significance.

Ambry Genetics
Classification: Uncertain significance for Hereditary cancer-predisposing syndrome. Last evaluated: 2015-03-16. Review status: criteria provided, single submitter. Criteria: Ambry Variant Classification Scheme 2023. Collection method: clinical testing. Allele origin: germline.
Comment: The p.Q1258E variant (also known as c.3772C>G), located in coding exon 25 of the RAD50 gene, results from a C to G substitution at nucleotide position 3772. The glutamine at codon 1258 is replaced by glutamic acid, an amino acid with highly similar properties. This variant was not reported in population based cohorts in the following databases: Database of Single Nucleotide Polymorphisms (dbSNP), NHLBI Exome Sequencing Project (ESP), and 1000 Genomes Project. In the ESP, this variant was not observed in 6503 samples (13006 alleles) with coverage at this position. To date, this alteration has been detected with an allele frequency of approximately 0.003% (greater than 40,000 alleles tested) in our clinical cohort. This amino acid position is highly conserved through mammals, but not in lower vertebrate species. In addition, this alteration is predicted to be tolerated by in silico analysis. Since supporting evidence is limited at this time, the clinical significance of p.Q1258E remains unclear.